The following is an entry in ClinVar:

NM_001297.5(CNGB1):c.*675G>A

Gene: CNGB1 (cyclic nucleotide gated channel subunit beta 1; minus strand). Cytogenetic location: 16q21.
Variant type: single nucleotide variant.
Coding change: c.*675G>A on transcript NM_001297.5 (MANE Select); 675 bases downstream of the stop codon, G replaced by A.
Molecular consequence: 3 prime UTR variant.
Genome position (GRCh38, 1-based): chr16:57,883,489, C>T on the plus strand (G>A on the coding strand, the complement: CNGB1 is on the minus strand). VCF-style: chr16-57883489-C-T. GRCh37 (hg19) VCF-style: chr16-57917393-C-T.
Other names: c.*675G>A (NM_001286130.2).
Identifiers: ClinVar variation 886046 (VCV000886046.4), dbSNP rs72782246, ClinGen allele CA281604609.

ClinVar aggregate classification (germline): Likely benign (1 of 4 stars; one submission).

Conditions:
Retinitis pigmentosa (RP). Identifiers: Orphanet 791, MedGen C0035334, MeSH D012174, MONDO:0019200, OMIM 268000. Inheritance: Autosomal dominant, autosomal recessive and X linked inheritance.

Allele frequency attached by ClinVar (database versions not stated): 1000 Genomes Project 30x 0.01780; 1000 Genomes Project 0.01857; gnomAD exomes 0.03853; TOPMed 0.03872; gnomAD 0.04017 and 0.04128.
gnomAD v4.1: 6,296 of 157,092 alleles (4%); highest among the groups gnomAD compares: Non-Finnish European, 6.2%; 159 homozygotes.

Submission:

Illumina Laboratory Services, Illumina
Classification: Likely benign for Retinitis pigmentosa. Last evaluated: 2018-01-12. Review status: criteria provided, single submitter. Criteria: ICSL Variant Classification Criteria 13 December 2019. Collection method: clinical testing. Allele origin: germline.
Comment: This variant was observed in the ICSL laboratory as part of a predisposition screen in an ostensibly healthy population. It had not been previously curated by ICSL or reported in the Human Gene Mutation Database (HGMD: prior to June 1st, 2018), and was therefore a candidate for classification through an automated scoring system. Utilizing variant allele frequency, disease prevalence and penetrance estimates, and inheritance mode, an automated score was calculated to assess if this variant is too frequent to cause the disease. Based on the score and internal cut-off values, a variant classified as likely benign is not then subjected to further curation. The score for this variant resulted in a classification of likely benign for this disease.